The following is an entry in ClinVar:

NM_000503.6(EYA1):c.579A>G (p.Ser193=)

Gene: EYA1 (EYA transcriptional coactivator and phosphatase 1; minus strand). Cytogenetic location: 8q13.3.
Variant type: single nucleotide variant.
Coding change: c.579A>G on transcript NM_000503.6 (MANE Select); coding-DNA position 579, A replaced by G.
Protein change: p.Ser193=; no amino-acid change (serine 193 retained).
Molecular consequence: synonymous variant.
Genome position (GRCh38, 1-based): chr8:71,299,698, T>C on the plus strand (A>G on the coding strand, the complement: EYA1 is on the minus strand). VCF-style: chr8-71299698-T-C. GRCh37 (hg19) VCF-style: chr8-72211933-T-C.
Other names: c.561A>G, p.Ser187= (NM_001288574.2); c.213A>G, p.Ser71= (NM_001288575.2); c.666A>G, p.Ser222= (NM_001370333.1); c.579A>G, p.Ser193= (NM_001370334.1, NM_001370335.1, NM_172058.4); c.648A>G, p.Ser216= (NM_001370336.1); c.651A>G, p.Ser217= (NM_172059.5).
Identifiers: ClinVar variation 1315483 (VCV001315483.2), dbSNP rs945935998, ClinGen allele CA179209141.
Genomic context (GRCh38, chr8:71,299,698, plus strand): 5'-CTGCTGTGAACTATTAAATCCAGAGGAATTTGTGAGTGAATTATTTCCTGTATATATTCC[T>C]GATGATGTTGTAAAACTGCTACCTAAAACAAAATGAAAAGAAATACGATTATACCAGGCT-3'
Protein context (NP_000494.2, residues 183-203): QMQGSSFTTS[Ser193=]GIYTGNNSLT

ClinVar aggregate classification (germline): Uncertain significance (1 of 4 stars; one submission).

Allele frequency attached by ClinVar (database versions not stated): gnomAD exomes below 0.00001.
gnomAD v4.1: 2 of 1,574,356 alleles (0.00013%); highest among the groups gnomAD compares: Non-Finnish European, 0.00017%; no homozygotes.

Submission:

GeneDx
Classification: Uncertain significance. Last evaluated: 2020-02-12. Review status: criteria provided, single submitter. Criteria: GeneDx Variant Classification Process June 2021. Collection method: clinical testing. Allele origin: germline. Affected: yes.
Comment: Not observed in large population cohorts (Lek et al., 2016); In silico analysis supports that this variant does not alter splicing; Has not been previously published as pathogenic or benign to our knowledge